The following is an entry in ClinVar:

ClinVar aggregate classification (germline): Likely pathogenic (1 of 4 stars; one submission).

Conditions:
Trichorhinophalangeal dysplasia type I (TRPS1). Also called: TRICHORHINOPHALANGEAL SYNDROME, TYPE I; TRPS I. Identifiers: Orphanet 77258, MedGen C0432233, MONDO:0008596, OMIM 190350.

Submission:

Division of Clinical Genetics, Department of Pediatrics, Seoul National University Children's Hospital
Classification: Likely pathogenic for Trichorhinophalangeal dysplasia type I. Last evaluated: 2026-05-24. Review status: criteria provided, single submitter. Criteria: ACMG Guidelines, 2015. Collection method: clinical testing. Allele origin: germline. Affected: yes.
Comment: TRPS1 loss-of-function variants are an established cause of Trichorhinophalangeal syndrome, type I (TRPS1; OMIM #190350). The variant NM_014112.5:c.488_489insT is located in exon 3 of TRPS1 and results in a frameshift, predicted to lead to nonsense-mediated mRNA decay or a truncated non-functional protein, qualifying as a null variant (PVS1). This variant is absent from the general population in gnomAD v4.1.1 (PM2). Based on these findings, this variant is classified as Likely Pathogenic according to the ACMG/AMP variant interpretation guidelines (Richards et al., 2015, PMID:25741868).

NM_014112.5(TRPS1):c.488_489insT (p.Glu165fs)

Gene: TRPS1 (transcriptional repressor GATA binding 1; minus strand). Cytogenetic location: 8q23.3.
Variant type: Insertion.
Coding change: c.488_489insT on transcript NM_014112.5 (MANE Select); coding-DNA positions 488 to 489, T inserted.
Protein change: p.Glu165fs; shifts the reading frame from glutamic acid 165.
Molecular consequence: frameshift variant.
Genome position: GRCh38 VCF-style: chr8-115619609-T-TA. GRCh37 (hg19) VCF-style: chr8-116631836-T-TA.
Other names: c.461_462insT, p.Glu156fs (NM_001282902.3); c.467_468insT, p.Glu158fs (NM_001282903.3); c.449_450insT, p.Glu152fs (NM_001330599.2); short protein forms E152fs, E156fs, E158fs, E165fs.
Identifiers: ClinVar variation 4851502 (VCV004851502.1).